The following is an entry in ClinVar:

NM_015178.3(RHOBTB2):c.1419C>T (p.Phe473=)

Gene: RHOBTB2 (Rho related BTB domain containing 2; plus strand). Cytogenetic location: 8p21.3.
Variant type: single nucleotide variant.
Coding change: c.1419C>T on transcript NM_015178.3 (MANE Select); coding-DNA position 1419, C replaced by T.
Protein change: p.Phe473=; no amino-acid change (phenylalanine 473 retained).
Molecular consequence: synonymous variant.
Genome position (GRCh38, 1-based): chr8:23,007,664, C>T. VCF-style: chr8-23007664-C-T. GRCh37 (hg19) VCF-style: chr8-22865177-C-T.
Other names: c.1485C>T, p.Phe495= (NM_001160036.2); c.1440C>T, p.Phe480= (NM_001160037.2); c.1419C>T, p.Phe473= (NM_001374791.1).
Identifiers: ClinVar variation 1651695 (VCV001651695.32), dbSNP rs1436095338, ClinGen allele CA460178125.

ClinVar aggregate classification (germline): Likely benign. Review status: criteria provided, multiple submitters, no conflicts (2 of 4 stars). 2 submissions from 2 submitters: Likely benign (2). Last evaluated 2023-02-01.

Allele frequency attached by ClinVar (database versions not stated): gnomAD 0.00001; gnomAD exomes 0.00001; TOPMed 0.00001.
gnomAD v4.1: 12 of 1,614,090 alleles (0.00074%); highest among the groups gnomAD compares: Non-Finnish European, 0.001%; no homozygotes.

Submissions (2):

CeGaT Center for Human Genetics Tuebingen
Classification: Likely benign. Last evaluated: 2023-02-01. Review status: criteria provided, single submitter. Criteria: CeGaT Center For Human Genetics Tuebingen Variant Classification Criteria Version 2. Collection method: clinical testing. Allele origin: germline. Affected: yes. Observed: 1 variant allele.
Comment: RHOBTB2: BP4, BP7

Labcorp Genetics (formerly Invitae), Labcorp
Classification: Likely benign. Last evaluated: 2022-04-18. Review status: criteria provided, single submitter. Criteria: Invitae Variant Classification Sherloc (09022015). Collection method: clinical testing. Allele origin: germline.